The following is an entry in ClinVar:

NM_001458.5(FLNC):c.2035C>T (p.Pro679Ser)

Gene: FLNC (filamin C; plus strand). Cytogenetic location: 7q32.1.
Variant type: single nucleotide variant.
Coding change: c.2035C>T on transcript NM_001458.5 (MANE Select); coding-DNA position 2035, C replaced by T.
Protein change: p.Pro679Ser; replaces proline 679 with serine.
Molecular consequence: missense variant.
Genome position (GRCh38, 1-based): chr7:128,841,481, C>T. VCF-style: chr7-128841481-C-T. GRCh37 (hg19) VCF-style: chr7-128481535-C-T.
Other names: c.2035C>T, p.Pro679Ser (NM_001127487.2); short protein forms P679S.
Identifiers: ClinVar variation 1016675 (VCV001016675.9), dbSNP rs1808331792, ClinGen allele CA369227698.

ClinVar aggregate classification (germline): Uncertain significance (1 of 4 stars; one submission).

Conditions:
Hypertrophic cardiomyopathy 26. Also called: Cardiomyopathy, familial hypertrophic, 26. Identifiers: Orphanet 75249, MedGen C4310749, MONDO:0014883, OMIM 617047.
Myofibrillar myopathy 5. Also called: FILAMINOPATHY, AUTOSOMAL DOMINANT; Filaminopathy (type). Identifiers: Orphanet 171445, MedGen C1836050, MONDO:0012289, OMIM 609524.
Distal myopathy with posterior leg and anterior hand involvement. Also called: WILLIAMS DISTAL MYOPATHY. Identifiers: Orphanet 63273, MedGen C3279722, MONDO:0013550, OMIM 614065.

Allele frequency attached by ClinVar (database versions not stated): gnomAD exomes below 0.00001.
gnomAD v4.1: 1 of 1,614,146 alleles (0.000062%); highest among the groups gnomAD compares: African/African-American, 0.0013%; no homozygotes.

Submission:

Labcorp Genetics (formerly Invitae), Labcorp
Classification: Uncertain significance for Distal myopathy with posterior leg and anterior hand involvement; Myofibrillar myopathy 5; Hypertrophic cardiomyopathy 26. Last evaluated: 2025-02-27. Review status: criteria provided, single submitter. Criteria: Invitae Variant Classification Sherloc (09022015). Collection method: clinical testing. Allele origin: germline.
Comment: This sequence change replaces proline, which is neutral and non-polar, with serine, which is neutral and polar, at codon 679 of the FLNC protein (p.Pro679Ser). This variant is not present in population databases (gnomAD no frequency). This variant has not been reported in the literature in individuals affected with FLNC-related conditions. ClinVar contains an entry for this variant (Variation ID: 1016675). Invitae Evidence Modeling of protein sequence and biophysical properties (such as structural, functional, and spatial information, amino acid conservation, physicochemical variation, residue mobility, and thermodynamic stability) has been performed for this missense variant. However, the output from this modeling did not meet the statistical confidence thresholds required to predict the impact of this variant on FLNC protein function. In summary, the available evidence is currently insufficient to determine the role of this variant in disease. Therefore, it has been classified as a Variant of Uncertain Significance.